The following is an entry in ClinVar:

ClinVar aggregate classification (germline): Uncertain significance. Review status: criteria provided, multiple submitters, no conflicts (2 of 4 stars). 2 submissions from 2 submitters: Uncertain significance (2). Last evaluated 2025-04-14.

Conditions:
Familial focal epilepsy with variable foci (FPEVF). Identifiers: Orphanet 98820, MedGen C1858477, MONDO:0020310.

Allele frequency attached by ClinVar (database versions not stated): gnomAD exomes below 0.00001 and 0.00001; ExAC 0.00001; gnomAD 0.00001; TOPMed 0.00002.
gnomAD v4.1: 6 of 1,613,830 alleles (0.00037%); highest among the groups gnomAD compares: African/African-American, 0.008%; no homozygotes.

Submissions (2):

Labcorp Genetics (formerly Invitae), Labcorp
Classification: Uncertain significance for Familial focal epilepsy with variable foci. Last evaluated: 2025-04-14. Review status: criteria provided, single submitter. Criteria: Invitae Variant Classification Sherloc (09022015). Collection method: clinical testing. Allele origin: germline.
Comment: This sequence change replaces aspartic acid, which is acidic and polar, with glutamic acid, which is acidic and polar, at codon 850 of the DEPDC5 protein (p.Asp850Glu). This variant is present in population databases (rs774408944, gnomAD 0.01%). This variant has not been reported in the literature in individuals affected with DEPDC5-related conditions. ClinVar contains an entry for this variant (Variation ID: 1326749). Experimental studies and prediction algorithms are not available or were not evaluated, and the functional significance of this variant is currently unknown. In summary, the available evidence is currently insufficient to determine the role of this variant in disease. Therefore, it has been classified as a Variant of Uncertain Significance.

GeneDx
Classification: Uncertain significance. Last evaluated: 2021-05-25. Review status: criteria provided, single submitter. Criteria: GeneDx Variant Classification Process June 2021. Collection method: clinical testing. Allele origin: germline. Affected: yes.
Comment: In silico analysis supports that this missense variant does not alter protein structure/function; Has not been previously published as pathogenic or benign to our knowledge

NM_001242896.3(DEPDC5):c.2550C>G (p.Asp850Glu)

Gene: DEPDC5 (DEP domain containing 5, GATOR1 subcomplex subunit; plus strand). Cytogenetic location: 22q12.3.
Variant type: single nucleotide variant.
Coding change: c.2550C>G on transcript NM_001242896.3 (MANE Select); coding-DNA position 2550, C replaced by G.
Protein change: p.Asp850Glu; replaces aspartic acid 850 with glutamic acid.
Molecular consequence: missense variant. On other transcripts: non-coding transcript variant (5).
Genome position (GRCh38, 1-based): chr22:31,843,129, C>G. VCF-style: chr22-31843129-C-G. GRCh37 (hg19) VCF-style: chr22-32239115-C-G.
Other names: c.2523C>G, p.Asp841Glu (NM_001136029.4, NM_001369903.1, NM_014662.6); c.2316C>G, p.Asp772Glu (NM_001242897.2, NM_001363854.2, NM_001364319.2); c.2550C>G, p.Asp850Glu (NM_001363852.2, NM_001364318.2, NM_001364320.2); c.2466C>G, p.Asp822Glu (NM_001369901.1, NM_001369902.1); short protein forms D772E, D822E, D841E, D850E.
Identifiers: ClinVar variation 1326749 (VCV001326749.9), dbSNP rs774408944, ClinGen allele CA10196747.